The following is an entry in ClinVar:

ClinVar aggregate classification (germline): Uncertain significance (1 of 4 stars; one submission).

Conditions:
Fanconi anemia complementation group J. Also called: BRIP1-Related Fanconi Anemia. Identifiers: Orphanet 84, MedGen C1836860, MONDO:0012187, OMIM 609054.
Familial cancer of breast. Also called: BREAST CANCER, FAMILIAL; Hereditary breast cancer; hereditary breast carcinoma. Identifiers: Orphanet 227535, MedGen C0346153, MONDO:0016419, OMIM 114480. Disease mechanism: loss of function.

Submission:

Labcorp Genetics (formerly Invitae), Labcorp
Classification: Uncertain significance for Familial cancer of breast; Fanconi anemia complementation group J. Last evaluated: 2023-05-05. Review status: criteria provided, single submitter. Criteria: Invitae Variant Classification Sherloc (09022015). Collection method: clinical testing. Allele origin: germline.
Comment: In summary, the available evidence is currently insufficient to determine the role of this variant in disease. Therefore, it has been classified as a Variant of Uncertain Significance. Advanced modeling of protein sequence and biophysical properties (such as structural, functional, and spatial information, amino acid conservation, physicochemical variation, residue mobility, and thermodynamic stability) performed at Invitae indicates that this missense variant is expected to disrupt BRIP1 protein function. This variant has not been reported in the literature in individuals affected with BRIP1-related conditions. This variant is not present in population databases (gnomAD no frequency). This sequence change replaces glutamine, which is neutral and polar, with leucine, which is neutral and non-polar, at codon 554 of the BRIP1 protein (p.Gln554Leu).

NM_032043.3(BRIP1):c.1661A>T (p.Gln554Leu)

Gene: BRIP1 (BRCA1 interacting DNA helicase 1; minus strand). Cytogenetic location: 17q23.2.
Variant type: single nucleotide variant.
Coding change: c.1661A>T on transcript NM_032043.3 (MANE Select); coding-DNA position 1661, A replaced by T.
Protein change: p.Gln554Leu; replaces glutamine 554 with leucine.
Molecular consequence: missense variant.
Genome position (GRCh38, 1-based): chr17:61,780,973, T>A on the plus strand (A>T on the coding strand, the complement: BRIP1 is on the minus strand). VCF-style: chr17-61780973-T-A. GRCh37 (hg19) VCF-style: chr17-59858334-T-A.
Other names: short protein forms Q554L.
Identifiers: ClinVar variation 2947467 (VCV002947467.3), dbSNP rs1567813893, ClinGen allele CA400480521.
Genomic context (GRCh38, chr17:61,780,973, plus strand): 5'-GGTAGAACCAACAACCCATTTTTGTCTGAAATATCAATCTGATTTGTCCAGGAGTAAGTC[T>A]GTTGAATCGCAATTTTATAATCATCTGCAAATCTAGATGCAAAGAAAGTGCTAATTAAGT-3'
Protein context (NP_114432.2, residues 544-564): FADDYKIAIQ[Gln554Leu]TYSWTNQIDI